The following is an entry in ClinVar:

ClinVar aggregate classification (germline): Likely pathogenic (1 of 4 stars; one submission).

Conditions:
Neurofibromatosis. Identifiers: MedGen C0162678, MONDO:0021061.

Submission:

Clinical Genetics Laboratory, Skane University Hospital Lund
Classification: Likely pathogenic for Neurofibromatosis. Last evaluated: 2024-09-05. Review status: criteria provided, single submitter. Criteria: ACMG Guidelines, 2015. Collection method: clinical testing. Allele origin: germline. Affected: yes.
Comment: ACMG criteria used: PVS1, PM2

NM_001042492.3(NF1):c.5477_5478insG (p.His1826fs)

Gene: NF1 (neurofibromin 1; plus strand). Cytogenetic location: 17q11.2.
Variant type: Insertion.
Coding change: c.5477_5478insG on transcript NM_001042492.3 (MANE Select); coding-DNA positions 5477 to 5478, G inserted.
Protein change: p.His1826fs; shifts the reading frame from histidine 1826.
Molecular consequence: frameshift variant.
Genome position: GRCh38 VCF-style: chr17-31327707-A-AG. GRCh37 (hg19) VCF-style: chr17-29654725-A-AG.
Other names: c.5414_5415insG, p.His1805Glnfs (NM_000267.4); short protein forms H1805fs, H1826fs.
Identifiers: ClinVar variation 3769588 (VCV003769588.1).